The following is an entry in ClinVar:

NM_000539.3(RHO):c.527C>T (p.Ser176Phe)

Gene: RHO (rhodopsin; plus strand). Cytogenetic location: 3q22.1.
Variant type: single nucleotide variant.
Coding change: c.527C>T on transcript NM_000539.3 (MANE Select); coding-DNA position 527, C replaced by T.
Protein change: p.Ser176Phe; replaces serine 176 with phenylalanine.
Molecular consequence: missense variant.
Genome position (GRCh38, 1-based): chr3:129,531,041, C>T. VCF-style: chr3-129531041-C-T. GRCh37 (hg19) VCF-style: chr3-129249884-C-T.
Other names: short protein forms S176F.
Identifiers: ClinVar variation 856495 (VCV000856495.11), dbSNP rs2084776365, ClinGen allele CA354498825.

ClinVar aggregate classification (germline): Pathogenic/Likely pathogenic. Review status: criteria provided, multiple submitters, no conflicts (2 of 4 stars). 3 submissions from 3 submitters: Pathogenic (1); Likely pathogenic (2). Last evaluated 2025-05-21.

Conditions:
RHO-related disorder. Also called: RHO-related condition.
Retinitis pigmentosa 4 (RP4). Also called: RETINITIS PIGMENTOSA, RHODOPSIN-RELATED. Identifiers: Orphanet 791, MedGen C3151001, MONDO:0013395, OMIM 613731.

Submissions (3):

Labcorp Genetics (formerly Invitae), Labcorp
Classification: Pathogenic. Last evaluated: 2025-05-21. Review status: criteria provided, single submitter. Criteria: Invitae Variant Classification Sherloc (09022015). Collection method: clinical testing. Allele origin: germline.
Comment: This sequence change replaces serine, which is neutral and polar, with phenylalanine, which is neutral and non-polar, at codon 176 of the RHO protein (p.Ser176Phe). This variant is not present in population databases (gnomAD no frequency). This missense change has been observed in individuals with autosomal dominant retinitis pigmentosa (PMID: 16170112, 20832389; internal data). ClinVar contains an entry for this variant (Variation ID: 856495). Invitae Evidence Modeling of protein sequence and biophysical properties (such as structural, functional, and spatial information, amino acid conservation, physicochemical variation, residue mobility, and thermodynamic stability) indicates that this missense variant is expected to disrupt RHO protein function with a positive predictive value of 95%. Experimental studies have shown that this missense change affects RHO function (PMID: 30977563). For these reasons, this variant has been classified as Pathogenic.

Blueprint Genetics
Classification: Likely pathogenic for RHO-related disorders. Last evaluated: 2021-09-30. Review status: criteria provided, single submitter. Criteria: ACMG Guidelines, 2015. Collection method: clinical testing. Allele origin: germline. Affected: yes. Observed: 1 variant allele.

Centre for Genomic Medicine, Manchester, Central Manchester University Hospitals
Classification: Likely pathogenic for Retinitis pigmentosa 4. Last evaluated: 2020-09-01. Review status: criteria provided, single submitter. Criteria: ACMG Guidelines, 2015. Collection method: clinical testing. Allele origin: germline. Affected: yes. Observed: 1 heterozygote.

Literature cited by the submitters: PubMed 16170112 (cited by Labcorp Genetics (formerly Invitae), Labcorp); PubMed 20832389 (cited by Labcorp Genetics (formerly Invitae), Labcorp); PubMed 30977563 (cited by Labcorp Genetics (formerly Invitae), Labcorp).